The following is an entry in ClinVar:

NM_001374828.1(ARID1B):c.6619G>T (p.Glu2207Ter)

Gene: ARID1B (AT-rich interaction domain 1B; plus strand). Cytogenetic location: 6q25.3.
Variant type: single nucleotide variant.
Coding change: c.6619G>T on transcript NM_001374828.1 (MANE Select); coding-DNA position 6619, G replaced by T.
Protein change: p.Glu2207Ter; replaces glutamic acid 2207 with a stop codon.
Molecular consequence: nonsense.
Genome position (GRCh38, 1-based): chr6:157,207,391, G>T. VCF-style: chr6-157207391-G-T. GRCh37 (hg19) VCF-style: chr6-157528525-G-T.
Other names: c.6370G>T, p.Glu2124Ter (NM_001346813.1); c.4120G>T, p.Glu1374Ter (NM_001363725.2); c.6499G>T, p.Glu2167Ter (NM_001371656.1, NM_001374820.1); c.6460G>T, p.Glu2154Ter (NM_017519.3); c.6250G>T, p.Glu2084Ter (NM_020732.3); c.6037G>T, p.Glu2013Ter (NM_175863.2); short protein forms E1374*, E2013*, E2084*, E2124*, E2154*, E2167*, E2207*.
Identifiers: ClinVar variation 2444207 (VCV002444207.1), dbSNP rs1554237988, ClinGen allele CA366248678.

ClinVar aggregate classification (germline): Likely pathogenic (1 of 4 stars; one submission).

Conditions:
Coffin-Siris syndrome 1 (CSS1). Also called: ARID1B-Related Coffin-Siris Syndrome; Mental retardation, autosomal dominant 12. Identifiers: Orphanet 1465, MedGen C3281201, MONDO:0007617, OMIM 135900. Disease mechanism: gain of function.

Submission:

3billion
Classification: Likely pathogenic for Coffin-Siris syndrome 1. Last evaluated: 2023-02-23. Review status: criteria provided, single submitter. Criteria: ACMG Guidelines, 2015. Collection method: clinical testing. Allele origin: unknown. Affected: yes.
Comment: The variant is not observed in the gnomAD v2.1.1 dataset. This variant was predicted to result in a loss or disruption of normal protein function through protein truncation. Multiple pathogenic variants are reported in the predicted truncated region. The variant has been reported to be associated with ARID1B related disorder (PMID: 30349098). Therefore, this variant is classified as Likely pathogenic according to the recommendation of ACMG/AMP guideline.

Literature cited by the submitters: PubMed 30349098.